The following is an entry in ClinVar:

NM_004990.4(MARS1):c.580G>T (p.Gly194Cys)

Gene: MARS1 (methionyl-tRNA synthetase 1; plus strand). Cytogenetic location: 12q13.3.
Variant type: single nucleotide variant.
Coding change: c.580G>T on transcript NM_004990.4 (MANE Select); coding-DNA position 580, G replaced by T.
Protein change: p.Gly194Cys; replaces glycine 194 with cysteine.
Molecular consequence: missense variant.
Genome position (GRCh38, 1-based): chr12:57,490,296, G>T. VCF-style: chr12-57490296-G-T. GRCh37 (hg19) VCF-style: chr12-57884079-G-T.
Other names: short protein forms G194C.
Identifiers: ClinVar variation 1905343 (VCV001905343.5), dbSNP rs779651773, ClinGen allele CA6650217.

ClinVar aggregate classification (germline): Uncertain significance (1 of 4 stars; one submission).

Conditions:
Severe early-onset pulmonary alveolar proteinosis due to MARS deficiency. Also called: PULMONARY ALVEOLAR PROTEINOSIS, REUNION ISLAND; Interstitial lung and liver disease. Identifiers: Orphanet 440427, MedGen C4225400, MONDO:0014206, OMIM 615486.
Charcot-Marie-Tooth disease axonal type 2U. Also called: CHARCOT-MARIE-TOOTH NEUROPATHY, TYPE 2U; CHARCOT-MARIE-TOOTH DISEASE, AXONAL, AUTOSOMAL DOMINANT, TYPE 2U. Identifiers: Orphanet 397735, MedGen C4084821, MONDO:0014566, OMIM 616280.

Allele frequency attached by ClinVar (database versions not stated): gnomAD exomes below 0.00001; ExAC 0.00001.

Submission:

Labcorp Genetics (formerly Invitae), Labcorp
Classification: Uncertain significance for Charcot-Marie-Tooth disease axonal type 2U; Severe early-onset pulmonary alveolar proteinosis due to MARS deficiency. Last evaluated: 2022-05-25. Review status: criteria provided, single submitter. Criteria: Invitae Variant Classification Sherloc (09022015). Collection method: clinical testing. Allele origin: germline.
Comment: Algorithms developed to predict the effect of missense changes on protein structure and function are either unavailable or do not agree on the potential impact of this missense change (SIFT: "Deleterious"; PolyPhen-2: "Possibly Damaging"; Align-GVGD: "Class C0"). In summary, the available evidence is currently insufficient to determine the role of this variant in disease. Therefore, it has been classified as a Variant of Uncertain Significance. Algorithms developed to predict the effect of sequence changes on RNA splicing suggest that this variant may disrupt the consensus splice site. This variant has not been reported in the literature in individuals affected with MARS-related conditions. This variant is present in population databases (rs779651773, gnomAD 0.01%). This sequence change replaces glycine, which is neutral and non-polar, with cysteine, which is neutral and slightly polar, at codon 194 of the MARS protein (p.Gly194Cys).